The following is an entry in ClinVar:

NM_001142864.4(PIEZO1):c.5382C>G (p.Phe1794Leu)

Gene: PIEZO1 (piezo type mechanosensitive ion channel component 1 (Er blood group); minus strand). Cytogenetic location: 16q24.3.
Variant type: single nucleotide variant.
Coding change: c.5382C>G on transcript NM_001142864.4 (MANE Select); coding-DNA position 5382, C replaced by G.
Protein change: p.Phe1794Leu; replaces phenylalanine 1794 with leucine.
Molecular consequence: missense variant.
Genome position (GRCh38, 1-based): chr16:88,721,559, G>C on the plus strand (C>G on the coding strand, the complement: PIEZO1 is on the minus strand). VCF-style: chr16-88721559-G-C. GRCh37 (hg19) VCF-style: chr16-88787967-G-C.
Other names: short protein forms F1794L.
Identifiers: ClinVar variation 4744251 (VCV004744251.1).
Genomic context (GRCh38, chr16:88,721,559, plus strand): 5'-CTGCCCAGCCCCGCATTGCCAGCCAAGGCTCACACTCACCAGCAGCTGGGAGCGGTGGAA[G>C]AAAAGGGCCATGAGCTGCACCAGGTCGTACTTGATGTAGCCGTCAGTCTTCTCCAGGCCC-3'
Protein context (NP_001136336.2, residues 1784-1804): KYDLVQLMAL[Phe1794Leu]FHRSQLLCYG

ClinVar aggregate classification (germline): Uncertain significance (1 of 4 stars; one submission).

gnomAD v4.1: 1 of 1,549,780 alleles (0.000065%); highest among the groups gnomAD compares: East Asian, 0.0024%; no homozygotes.

Submission:

Labcorp Genetics (formerly Invitae), Labcorp
Classification: Uncertain significance. Last evaluated: 2025-07-30. Review status: criteria provided, single submitter. Criteria: Invitae Variant Classification Sherloc (09022015). Collection method: clinical testing. Allele origin: germline.
Comment: This sequence change replaces phenylalanine, which is neutral and non-polar, with leucine, which is neutral and non-polar, at codon 1794 of the PIEZO1 protein (p.Phe1794Leu). This variant is not present in population databases (gnomAD no frequency). This variant has not been reported in the literature in individuals affected with PIEZO1-related conditions. Invitae Evidence Modeling of protein sequence and biophysical properties (such as structural, functional, and spatial information, amino acid conservation, physicochemical variation, residue mobility, and thermodynamic stability) indicates that this missense variant is not expected to disrupt PIEZO1 protein function with a negative predictive value of 80%. In summary, the available evidence is currently insufficient to determine the role of this variant in disease. Therefore, it has been classified as a Variant of Uncertain Significance.